The following is an entry in ClinVar:

ClinVar aggregate classification (germline): Uncertain significance (1 of 4 stars; one submission).

Submission:

Labcorp Genetics (formerly Invitae), Labcorp
Classification: Uncertain significance. Last evaluated: 2024-08-31. Review status: criteria provided, single submitter. Criteria: Invitae Variant Classification Sherloc (09022015). Collection method: clinical testing. Allele origin: germline.
Comment: This sequence change replaces leucine, which is neutral and non-polar, with isoleucine, which is neutral and non-polar, at codon 396 of the CSF1R protein (p.Leu396Ile). This variant is not present in population databases (gnomAD no frequency). This variant has not been reported in the literature in individuals affected with CSF1R-related conditions. Invitae Evidence Modeling of protein sequence and biophysical properties (such as structural, functional, and spatial information, amino acid conservation, physicochemical variation, residue mobility, and thermodynamic stability) indicates that this missense variant is not expected to disrupt CSF1R protein function with a negative predictive value of 95%. In summary, the available evidence is currently insufficient to determine the role of this variant in disease. Therefore, it has been classified as a Variant of Uncertain Significance.

NM_001288705.3(CSF1R):c.1186C>A (p.Leu396Ile)

Gene: CSF1R (colony stimulating factor 1 receptor; minus strand). Cytogenetic location: 5q32.
Variant type: single nucleotide variant.
Coding change: c.1186C>A on transcript NM_001288705.3 (MANE Select); coding-DNA position 1186, C replaced by A.
Protein change: p.Leu396Ile; replaces leucine 396 with isoleucine.
Molecular consequence: missense variant. On other transcripts: non-coding transcript variant (2).
Genome position (GRCh38, 1-based): chr5:150,070,468, G>T on the plus strand (C>A on the coding strand, the complement: CSF1R is on the minus strand). VCF-style: chr5-150070468-G-T. GRCh37 (hg19) VCF-style: chr5-149450031-G-T.
Other names: c.1186C>A, p.Leu396Ile (NM_001349736.2, NM_001375320.1, NM_005211.4); c.742C>A, p.Leu248Ile (NM_001375321.1); short protein forms L248I, L396I.
Identifiers: ClinVar variation 3694832 (VCV003694832.2).
Genomic context (GRCh38, chr5:150,070,468, plus strand): 5'-GCAGTCCCAGGGCCTCCGCCCCAGGTGGCGCTCGGCCCCAGCACTCACATCGAAGGGTGA[G>T]CTCAAACGTCAGAGCTCTCCAGCCTCCTGGGTTTCTGGCCAGGAAGGAGTAGCGGCCAGC-3'
Protein context (NP_001275634.1, residues 386-406): PGGWRALTFE[Leu396Ile]TLRYPPEVSV